The following is an entry in ClinVar:

ClinVar aggregate classification (germline): Uncertain significance (1 of 4 stars; one submission).

Conditions:
NCOA1-related disorder. Also called: NCOA1-related condition.

Submission:

PreventionGenetics, part of Exact Sciences
Classification: Uncertain significance for NCOA1-related condition. Last evaluated: 2023-05-10. Review status: criteria provided, single submitter. Criteria: ACMG Guidelines, 2015. Collection method: clinical testing. Allele origin: germline.
Comment: The NCOA1 c.2742T>A variant is predicted to result in the amino acid substitution p.Asp914Glu. To our knowledge, this variant has not been reported in the literature or in a large population database, indicating this variant is rare. At this time, the clinical significance of this variant is uncertain due to the absence of conclusive functional and genetic evidence.

NM_003743.5(NCOA1):c.2742T>A (p.Asp914Glu)

Gene: NCOA1 (nuclear receptor coactivator 1; plus strand). Cytogenetic location: 2p23.3.
Variant type: single nucleotide variant.
Coding change: c.2742T>A on transcript NM_003743.5 (MANE Select); coding-DNA position 2742, T replaced by A.
Protein change: p.Asp914Glu; replaces aspartic acid 914 with glutamic acid.
Molecular consequence: missense variant.
Genome position (GRCh38, 1-based): chr2:24,728,332, T>A. VCF-style: chr2-24728332-T-A. GRCh37 (hg19) VCF-style: chr2-24951201-T-A.
Other names: c.2742T>A, p.Asp914Glu (NM_001362950.1, NM_001362952.1, NM_001362954.1 and 3 more transcripts); short protein forms D914E.
Identifiers: ClinVar variation 2634315 (VCV002634315.1), dbSNP rs2465934287, ClinGen allele CA346052132.
Genomic context (GRCh38, chr2:24,728,332, plus strand): 5'-GTCAGTCTGAAACTTTCTTGTTTTTTAATCCTGCAGCCAGTGTATTAGCTCACAATTAGA[T>A]GAGCTTCTCTGTCCACCCACAACAGTAGAAGGGAGAAATGATGAGAAGGCTCTTCTTGAA-3'
Protein context (NP_003734.3, residues 904-924): SEDQCISSQL[Asp914Glu]ELLCPPTTVE